The following is an entry in ClinVar:

NM_000478.6(ALPL):c.143C>T (p.Thr48Ile)

Gene: ALPL (alkaline phosphatase, biomineralization associated; plus strand). Cytogenetic location: 1p36.12.
Variant type: single nucleotide variant.
Coding change: c.143C>T on transcript NM_000478.6 (MANE Select); coding-DNA position 143, C replaced by T.
Protein change: p.Thr48Ile; replaces threonine 48 with isoleucine.
Molecular consequence: missense variant. On other transcripts: 5 prime UTR variant (1).
Genome position (GRCh38, 1-based): chr1:21,560,707, C>T. VCF-style: chr1-21560707-C-T. GRCh37 (hg19) VCF-style: chr1-21887200-C-T.
Other names: c.-23C>T (NM_001127501.4); c.28C>T, p.Pro10Ser (NM_001177520.3); c.143C>T, p.Thr48Ile (NM_001369803.2, NM_001369804.2, NM_001369805.2); short protein forms T48I, P10S.
Identifiers: ClinVar variation 1937271 (VCV001937271.3), dbSNP rs1430855435, ClinGen allele CA338877617.

ClinVar aggregate classification (germline): Uncertain significance (1 of 4 stars; one submission).

Submission:

Labcorp Genetics (formerly Invitae), Labcorp
Classification: Uncertain significance. Last evaluated: 2025-04-23. Review status: criteria provided, single submitter. Criteria: Invitae Variant Classification Sherloc (09022015). Collection method: clinical testing. Allele origin: germline.
Comment: This sequence change replaces threonine, which is neutral and polar, with isoleucine, which is neutral and non-polar, at codon 48 of the ALPL protein (p.Thr48Ile). This variant is not present in population databases (gnomAD no frequency). This variant has not been reported in the literature in individuals affected with ALPL-related conditions. ClinVar contains an entry for this variant (Variation ID: 1937271). Invitae Evidence Modeling of protein sequence and biophysical properties (such as structural, functional, and spatial information, amino acid conservation, physicochemical variation, residue mobility, and thermodynamic stability) indicates that this missense variant is expected to disrupt ALPL protein function with a positive predictive value of 95%. In summary, the available evidence is currently insufficient to determine the role of this variant in disease. Therefore, it has been classified as a Variant of Uncertain Significance.